The following is an entry in ClinVar:

NM_001365536.1(SCN9A):c.1928A>G (p.Gln643Arg)

Genes: SCN1A-AS1 (SCN1A and SCN9A antisense RNA 1; plus strand), SCN9A (sodium voltage-gated channel alpha subunit 9; minus strand). Cytogenetic location: 2q24.3.
Variant type: single nucleotide variant.
Coding change: c.1928A>G on transcript NM_001365536.1 (MANE Select); coding-DNA position 1928, A replaced by G.
Protein change: p.Gln643Arg; replaces glutamine 643 with arginine.
Molecular consequence: missense variant.
Genome position (GRCh38, 1-based): chr2:166,284,499, T>C on the plus strand (A>G on the coding strand, the complement: SCN9A is on the minus strand). VCF-style: chr2-166284499-T-C. GRCh37 (hg19) VCF-style: chr2-167141009-T-C.
Other names: c.1928A>G, p.Gln643Arg (NM_002977.4); short protein forms Q643R.
Identifiers: ClinVar variation 2934578 (VCV002934578.3), dbSNP rs1697639155, ClinGen allele CA349082673.

ClinVar aggregate classification (germline): Uncertain significance (1 of 4 stars; one submission).

Conditions:
Neuropathy, hereditary sensory and autonomic, type 2A (HSAN2A). Also called: MORVAN DISEASE; NEUROPATHY, CONGENITAL SENSORY; NEUROPATHY, HEREDITARY SENSORY RADICULAR, AUTOSOMAL RECESSIVE; NEUROPATHY, HEREDITARY SENSORY, TYPE IIA; NEUROPATHY, PROGRESSIVE SENSORY, OF CHILDREN; ACROOSTEOLYSIS, GIACCAI TYPE. Identifiers: Orphanet 970, MedGen C2752089, MONDO:0024309, OMIM 201300.
Generalized epilepsy with febrile seizures plus, type 7 (GEFSP7). Also called: GEFS+, TYPE 7. Identifiers: Orphanet 36387, MedGen C2751778, MONDO:0013470, OMIM 613863.

Allele frequency attached by ClinVar (database versions not stated): TOPMed below 0.00001; gnomAD exomes 0.00001.
gnomAD v4.1: 12 of 1,614,072 alleles (0.00074%); highest among the groups gnomAD compares: Non-Finnish European, 0.001%; no homozygotes.

Submission:

Labcorp Genetics (formerly Invitae), Labcorp
Classification: Uncertain significance for Neuropathy, hereditary sensory and autonomic, type 2A; Generalized epilepsy with febrile seizures plus, type 7. Last evaluated: 2023-06-29. Review status: criteria provided, single submitter. Criteria: Invitae Variant Classification Sherloc (09022015). Collection method: clinical testing. Allele origin: germline.
Comment: Advanced modeling of protein sequence and biophysical properties (such as structural, functional, and spatial information, amino acid conservation, physicochemical variation, residue mobility, and thermodynamic stability) performed at Invitae indicates that this missense variant is not expected to disrupt SCN9A protein function. This variant has not been reported in the literature in individuals affected with SCN9A-related conditions. This variant is not present in population databases (gnomAD no frequency). This sequence change replaces glutamine, which is neutral and polar, with arginine, which is basic and polar, at codon 643 of the SCN9A protein (p.Gln643Arg). In summary, the available evidence is currently insufficient to determine the role of this variant in disease. Therefore, it has been classified as a Variant of Uncertain Significance.